The following is an entry in ClinVar:

NM_032043.3(BRIP1):c.3624C>T (p.Asp1208=)

Gene: BRIP1 (BRCA1 interacting DNA helicase 1; minus strand). Cytogenetic location: 17q23.2.
Variant type: single nucleotide variant.
Coding change: c.3624C>T on transcript NM_032043.3 (MANE Select); coding-DNA position 3624, C replaced by T.
Protein change: p.Asp1208=; no amino-acid change (aspartic acid 1208 retained).
Molecular consequence: synonymous variant.
Genome position (GRCh38, 1-based): chr17:61,683,422, G>A on the plus strand (C>T on the coding strand, the complement: BRIP1 is on the minus strand). VCF-style: chr17-61683422-G-A. GRCh37 (hg19) VCF-style: chr17-59760783-G-A.
Identifiers: ClinVar variation 1116971 (VCV001116971.14), dbSNP rs2144069601, ClinGen allele CA501335207.

ClinVar aggregate classification (germline): Benign/Likely benign. Review status: criteria provided, multiple submitters, no conflicts (2 of 4 stars). 4 submissions from 4 submitters: Benign (1); Likely benign (3). Last evaluated 2024-09-10.

Conditions:
Familial cancer of breast. Also called: BREAST CANCER, FAMILIAL; Hereditary breast cancer; hereditary breast carcinoma. Identifiers: Orphanet 227535, MedGen C0346153, MONDO:0016419, OMIM 114480. Disease mechanism: loss of function.
Fanconi anemia complementation group J. Also called: BRIP1-Related Fanconi Anemia. Identifiers: Orphanet 84, MedGen C1836860, MONDO:0012187, OMIM 609054.
Hereditary cancer-predisposing syndrome. Also called: Neoplastic Syndromes, Hereditary; Hereditary Cancer Syndrome; Hereditary neoplastic syndrome; Tumor predisposition. Identifiers: Orphanet 140162, MedGen C0027672, MeSH D009386, MONDO:0015356.

Submissions (4):

Myriad Genetics, Inc.
Classification: Benign for Familial cancer of breast. Last evaluated: 2024-09-10. Review status: criteria provided, single submitter. Criteria: Myriad Autosomal Dominant, Autosomal Recessive and X-Linked Classification Criteria (2023). Collection method: clinical testing. Allele origin: unknown.
Comment: This variant is considered benign. This variant is a silent/synonymous amino acid change and it is not expected to impact splicing.

Labcorp Genetics (formerly Invitae), Labcorp
Classification: Likely benign for Familial cancer of breast; Fanconi anemia complementation group J. Last evaluated: 2024-06-13. Review status: criteria provided, single submitter. Criteria: Invitae Variant Classification Sherloc (09022015). Collection method: clinical testing. Allele origin: germline.

Color Diagnostics, LLC DBA Color Health
Classification: Likely benign for Hereditary cancer-predisposing syndrome. Last evaluated: 2024-05-22. Review status: criteria provided, single submitter. Criteria: ACMG Guidelines, 2015. Collection method: clinical testing. Allele origin: germline.

Ambry Genetics
Classification: Likely benign for Hereditary cancer-predisposing syndrome. Last evaluated: 2020-03-29. Review status: criteria provided, single submitter. Criteria: Ambry Variant Classification Scheme 2023. Collection method: clinical testing. Allele origin: germline.